The following is an entry in ClinVar:

NM_000321.3(RB1):c.137+86T>C

Gene: RB1 (RB transcriptional corepressor 1; plus strand). Cytogenetic location: 13q14.2.
Variant type: single nucleotide variant.
Coding change: c.137+86T>C on transcript NM_000321.3 (MANE Select); 86 bases into the intron after coding-DNA position 137, T replaced by C.
Molecular consequence: intron variant.
Genome position (GRCh38, 1-based): chr13:48,304,135, T>C. VCF-style: chr13-48304135-T-C. GRCh37 (hg19) VCF-style: chr13-48878271-T-C.
Identifiers: ClinVar variation 1267251 (VCV001267251.4), dbSNP rs2854351, ClinGen allele CA16467857.

ClinVar aggregate classification (germline): Benign. Review status: criteria provided, multiple submitters, no conflicts (2 of 4 stars). 3 submissions from 3 submitters: Benign (3). Last evaluated 2025-09-17.

Conditions:
Hereditary retinoblastoma. Identifiers: Orphanet 357027, MedGen C0751483, MONDO:0018160.

Allele frequency attached by ClinVar (database versions not stated): 1000 Genomes Project 0.99101; TOPMed 0.99566; 1000 Genomes Project 30x 0.99672; gnomAD exomes 0.99973.
gnomAD v4.1: 1,300,790 of 1,301,658 alleles (100%); highest among the groups gnomAD compares: East Asian, 100%; 649,969 homozygotes.

Submissions (3):

Ramesar Group, Division of Human Genetics, Institute of Infectious Diseases and Molecular Medicine, UCT/MRC Genomic and Precision Medicine Research Unit, University of Cape Town
Classification: Benign for Hereditary retinoblastoma. Last evaluated: 2025-09-17. Review status: criteria provided, single submitter. Criteria: ACMG Guidelines, 2015. Collection method: research. Allele origin: germline. Affected: no.
Comment: BA1 - This variant is common in the general population (gnomAD), and is present in all 80 individuals in our in-house control cohort (100%) BP5 - Variant found in a patient with a different retinal disease; RB1 is not associated with the phenotype BP6 - Reported as benign in ClinVar BP7 - A non-coding variant with no predicted effect on splicing (SpliceAI scores are negligible)

GeneDx
Classification: Benign. Last evaluated: 2018-06-23. Review status: criteria provided, single submitter. Criteria: GeneDx Variant Classification Process June 2021. Collection method: clinical testing. Allele origin: germline. Affected: yes.

Breakthrough Genomics
Classification: Benign. Review status: criteria provided, single submitter. Criteria: ACMG Guidelines, 2015. Collection method: not provided. Allele origin: germline. Inheritance: Autosomal dominant inheritance. Affected: yes.